The following is an entry in ClinVar:

ClinVar aggregate classification (germline): Uncertain significance (1 of 4 stars; one submission).

Conditions:
Primary ciliary dyskinesia. Also called: Ciliary dyskinesia. Identifiers: Orphanet 244, MedGen C0008780, MONDO:0016575, HP:0012265.

Allele frequency attached by ClinVar (database versions not stated): TOPMed below 0.00001.

Submission:

Labcorp Genetics (formerly Invitae), Labcorp
Classification: Uncertain significance for Primary ciliary dyskinesia. Last evaluated: 2019-09-30. Review status: criteria provided, single submitter. Criteria: Invitae Variant Classification Sherloc (09022015). Collection method: clinical testing. Allele origin: germline.
Comment: In summary, the available evidence is currently insufficient to determine the role of this variant in disease. Therefore, it has been classified as a Variant of Uncertain Significance. Algorithms developed to predict the effect of missense changes on protein structure and function are either unavailable or do not agree on the potential impact of this missense change (SIFT: "Deleterious"; PolyPhen-2: "Not Available"; Align-GVGD: "Class C0"). This variant has not been reported in the literature in individuals with DNAH8-related conditions. This variant is not present in population databases (ExAC no frequency). This sequence change replaces arginine with glycine at codon 739 of the DNAH8 protein (p.Arg739Gly). The arginine residue is highly conserved and there is a moderate physicochemical difference between arginine and glycine.

NM_001206927.2(DNAH8):c.2215A>G (p.Arg739Gly)

Gene: DNAH8 (dynein axonemal heavy chain 8; plus strand). Cytogenetic location: 6p21.2.
Variant type: single nucleotide variant.
Coding change: c.2215A>G on transcript NM_001206927.2 (MANE Select); coding-DNA position 2215, A replaced by G.
Protein change: p.Arg739Gly; replaces arginine 739 with glycine.
Molecular consequence: missense variant.
Genome position (GRCh38, 1-based): chr6:38,781,329, A>G. VCF-style: chr6-38781329-A-G. GRCh37 (hg19) VCF-style: chr6-38749105-A-G.
Other names: c.1564A>G, p.Arg522Gly (NM_001371.4); short protein forms R739G, R522G.
Identifiers: ClinVar variation 963131 (VCV000963131.8), dbSNP rs1193834845, ClinGen allele CA363989228.
Genomic context (GRCh38, chr6:38,781,329, plus strand): 5'-AAAGATGACCCCCCTCTTGCTCGCAACATGCCCCCTATAGCAGGAAAAATACTCTGGGTG[A>G]GGCAGCTCTATCGCCGGATAAGTGAGCCCATCAATTATTTCTTTGTAAGCCAAGAATTAA-3'
Protein context (NP_001193856.1, residues 729-749): PPIAGKILWV[Arg739Gly]QLYRRISEPI